The following is an entry in ClinVar:

NM_001267550.2(TTN):c.40877-14T>C

Gene: TTN (titin; minus strand). Cytogenetic location: 2q31.2.
Variant type: single nucleotide variant.
Coding change: c.40877-14T>C on transcript NM_001267550.2 (MANE Select); 14 bases into the intron before coding-DNA position 40877, T replaced by C.
Molecular consequence: intron variant.
Genome position (GRCh38, 1-based): chr2:178,637,433, A>G on the plus strand (T>C on the coding strand, the complement: TTN is on the minus strand). VCF-style: chr2-178637433-A-G. GRCh37 (hg19) VCF-style: chr2-179502160-A-G.
Other names: c.13682-14T>C (NM_003319.4); c.14258-14T>C (NM_133437.4); c.14057-14T>C (NM_133432.3); c.33173-14T>C (NM_133378.4); c.35954-14T>C (NM_001256850.1).
Identifiers: ClinVar variation 46939 (VCV000046939.13), dbSNP rs397517561, ClinGen allele CA139578.

ClinVar aggregate classification (germline): Conflicting classifications of pathogenicity. Review status: criteria provided, conflicting classifications (1 of 4 stars). 2 submissions from 2 submitters: Uncertain significance (1); Likely benign (1). Last evaluated 2025-12-22.

Conditions:
Dilated cardiomyopathy 1G (CMD1G). Identifiers: Orphanet 154, MedGen C1858763, MONDO:0011400, OMIM 604145.
Autosomal recessive limb-girdle muscular dystrophy type 2J (LGMDR10). Also called: Limb-girdle muscular dystrophy, type 2J; MUSCULAR DYSTROPHY, LIMB-GIRDLE, AUTOSOMAL RECESSIVE 10. Identifiers: Orphanet 140922, MedGen C1837342, MONDO:0012127, OMIM 608807.

Allele frequency attached by ClinVar (database versions not stated): gnomAD exomes 0.00001.
gnomAD v4.1: 12 of 1,468,378 alleles (0.00082%); highest among the groups gnomAD compares: Non-Finnish European, 0.0011%; no homozygotes.

Submissions (2):

Labcorp Genetics (formerly Invitae), Labcorp
Classification: Likely benign for Dilated cardiomyopathy 1G; Autosomal recessive limb-girdle muscular dystrophy type 2J. Last evaluated: 2025-12-22. Review status: criteria provided, single submitter. Criteria: Invitae Variant Classification Sherloc (09022015). Collection method: clinical testing. Allele origin: germline.

Laboratory for Molecular Medicine, Mass General Brigham Personalized Medicine
Classification: Uncertain significance. Last evaluated: 2013-01-14. Review status: criteria provided, single submitter. Criteria: LMM Criteria. Collection method: clinical testing. Allele origin: germline. Observed: 1 variant allele.
Comment: Variant classified as Uncertain Significance - Favor Benign. The 33173-14T>C var iant in TTN has not been reported in the literature nor previously identified by our laboratory. This variant is located in the 3' splice region. Computational tools do not suggest an impact to splicing, though this information is not predi ctive enough to rule out pathogenicity. In summary, the low likelihood that a va riant at this position will impact splicing suggests that it is more likely beni gn, but additional information is needed to fully assess the clinical significan ce of this variant.